The following is an entry in ClinVar:

ClinVar aggregate classification (germline): Uncertain significance (1 of 4 stars; one submission).

Conditions:
Inborn genetic diseases. Identifiers: MedGen C0950123, MeSH D030342.

Allele frequency attached by ClinVar (database versions not stated): gnomAD exomes below 0.00001.
gnomAD v4.1: 2 of 1,614,062 alleles (0.00012%); highest among the groups gnomAD compares: Non-Finnish European, 0.00017%; no homozygotes.

Submission:

Ambry Genetics
Classification: Uncertain significance for Inborn genetic diseases. Last evaluated: 2023-01-18. Review status: criteria provided, single submitter. Criteria: Ambry Variant Classification Scheme 2023. Collection method: clinical testing. Allele origin: germline.
Comment: The p.Q1002R variant (also known as c.3005A>G), located in coding exon 23 of the LRRK2 gene, results from an A to G substitution at nucleotide position 3005. The glutamine at codon 1002 is replaced by arginine, an amino acid with highly similar properties. This amino acid position is conserved. In addition, this alteration is predicted to be tolerated by in silico analysis. Since supporting evidence is limited at this time, the clinical significance of this alteration remains unclear.

NM_198578.4(LRRK2):c.3005A>G (p.Gln1002Arg)

Gene: LRRK2 (leucine rich repeat kinase 2; plus strand). Cytogenetic location: 12q12.
Variant type: single nucleotide variant.
Coding change: c.3005A>G on transcript NM_198578.4 (MANE Select); coding-DNA position 3005, A replaced by G.
Protein change: p.Gln1002Arg; replaces glutamine 1002 with arginine.
Molecular consequence: missense variant.
Genome position (GRCh38, 1-based): chr12:40,295,553, A>G. VCF-style: chr12-40295553-A-G. GRCh37 (hg19) VCF-style: chr12-40689355-A-G.
Other names: short protein forms Q1002R.
Identifiers: ClinVar variation 2453085 (VCV002453085.2), dbSNP rs2499729049, ClinGen allele CA384412807.